The following is an entry in ClinVar:

NM_003673.4(TCAP):c.43T>A (p.Cys15Ser)

Gene: TCAP (titin-cap; plus strand). Cytogenetic location: 17q12.
Variant type: single nucleotide variant.
Coding change: c.43T>A on transcript NM_003673.4 (MANE Select); coding-DNA position 43, T replaced by A.
Protein change: p.Cys15Ser; replaces cysteine 15 with serine.
Molecular consequence: missense variant.
Genome position (GRCh38, 1-based): chr17:39,665,402, T>A. VCF-style: chr17-39665402-T-A. GRCh37 (hg19) VCF-style: chr17-37821655-T-A.
Other names: short protein forms C15S.
Identifiers: ClinVar variation 3175036 (VCV003175036.2), dbSNP rs764350236, ClinGen allele CA8532823.
Genomic context (GRCh38, chr17:39,665,402, plus strand): 5'-AGAGAATGAGGAGTGATCATGGCTACCTCAGAGCTGAGCTGCGAGGTGTCGGAGGAGAAC[T>A]GTGAGCGCCGGGAGGCCTTCTGGGCAGAATGGAAGGATCTGACACTGTCCACACGGCCCG-3'
Protein context (NP_003664.1, residues 5-25): ELSCEVSEEN[Cys15Ser]ERREAFWAEW

ClinVar aggregate classification (germline): Uncertain significance (1 of 4 stars; one submission).

Conditions:
Cardiovascular phenotype. Identifiers: MedGen CN230736.

Allele frequency attached by ClinVar (database versions not stated): ExAC 0.00002.

Submission:

Ambry Genetics
Classification: Uncertain significance for Cardiovascular phenotype. Last evaluated: 2026-03-09. Review status: criteria provided, single submitter. Criteria: Ambry Variant Classification Scheme 2023. Collection method: clinical testing. Allele origin: germline.
Comment: The p.C15S variant (also known as c.43T>A), located in coding exon 1 of the TCAP gene, results from a T to A substitution at nucleotide position 43. The cysteine at codon 15 is replaced by serine, an amino acid with dissimilar properties. This amino acid position is conserved. In addition, this alteration is predicted to be tolerated by in silico analysis. Based on the available evidence, the clinical significance of this variant remains unclear.